The following is an entry in ClinVar:

ClinVar aggregate classification (germline): Uncertain significance (1 of 4 stars; one submission).

Allele frequency attached by ClinVar (database versions not stated): gnomAD exomes below 0.00001 and 0.00001; TOPMed below 0.00001; gnomAD 0.00001; ExAC 0.00002.
gnomAD v4.1: 6 of 1,613,342 alleles (0.00037%); highest among the groups gnomAD compares: Middle Eastern, 0.033%; no homozygotes.

Submission:

Labcorp Genetics (formerly Invitae), Labcorp
Classification: Uncertain significance. Last evaluated: 2021-05-19. Review status: criteria provided, single submitter. Criteria: Invitae Variant Classification Sherloc (09022015). Collection method: clinical testing. Allele origin: germline.
Comment: In summary, the available evidence is currently insufficient to determine the role of this variant in disease. Therefore, it has been classified as a Variant of Uncertain Significance. Nucleotide substitutions within the consensus splice site are a relatively common cause of aberrant splicing (PMID: 17576681, 9536098). Algorithms developed to predict the effect of sequence changes on RNA splicing suggest that this variant is not likely to affect RNA splicing, but this prediction has not been confirmed by published transcriptional studies. This variant has not been reported in the literature in individuals with SPEG-related conditions. This variant is present in population databases (rs757634975, ExAC 0.003%). This sequence change falls in intron 29 of the SPEG gene. It does not directly change the encoded amino acid sequence of the SPEG protein. It affects a nucleotide within the consensus splice site of the intron.

Literature cited by the submitters: PubMed 17576681; PubMed 9536098.

NM_005876.5(SPEG):c.5634+3A>G

Genes: ASIC4-AS1 (ASIC4 antisense RNA 1; minus strand), SPEG (striated muscle enriched protein kinase; plus strand). Cytogenetic location: 2q35.
Variant type: single nucleotide variant.
Coding change: c.5634+3A>G on transcript NM_005876.5 (MANE Select); 3 bases into the intron after coding-DNA position 5634, A replaced by G.
Molecular consequence: intron variant.
Genome position (GRCh38, 1-based): chr2:219,482,855, A>G. VCF-style: chr2-219482855-A-G. GRCh37 (hg19) VCF-style: chr2-220347577-A-G.
Identifiers: ClinVar variation 1465100 (VCV001465100.6), dbSNP rs757634975, ClinGen allele CA2126897.